The following is an entry in ClinVar:

ClinVar aggregate classification (germline): Uncertain significance (1 of 4 stars; one submission).

Conditions:
Dyskeratosis congenita, autosomal recessive 6 (DKCB6). Identifiers: MedGen C4225356, MONDO:0014600, OMIM 616353.
Pulmonary fibrosis and/or bone marrow failure, Telomere-related, 4. Also called: PULMONARY FIBROSIS AND/OR BONE MARROW FAILURE SYNDROME, TELOMERE-RELATED, 4. Identifiers: Orphanet 2032, MedGen C4225347, MONDO:0014612, OMIM 616371.

Submission:

Labcorp Genetics (formerly Invitae), Labcorp
Classification: Uncertain significance for Dyskeratosis congenita, autosomal recessive 6; Pulmonary fibrosis and/or bone marrow failure, Telomere-related, 4. Last evaluated: 2023-10-23. Review status: criteria provided, single submitter. Criteria: Invitae Variant Classification Sherloc (09022015). Collection method: clinical testing. Allele origin: germline.
Comment: This sequence change falls in intron 13 of the PARN gene. It does not directly change the encoded amino acid sequence of the PARN protein. It affects a nucleotide within the consensus splice site. This variant is not present in population databases (gnomAD no frequency). This variant has not been reported in the literature in individuals affected with PARN-related conditions. Variants that disrupt the consensus splice site are a relatively common cause of aberrant splicing (PMID: 17576681, 9536098). Algorithms developed to predict the effect of sequence changes on RNA splicing suggest that this variant is not likely to affect RNA splicing. In summary, the available evidence is currently insufficient to determine the role of this variant in disease. Therefore, it has been classified as a Variant of Uncertain Significance.

Literature cited by the submitters: PubMed 17576681; PubMed 9536098.

NM_002582.4(PARN):c.918+4A>G

Gene: PARN (poly(A)-specific ribonuclease; minus strand). Cytogenetic location: 16p13.12.
Variant type: single nucleotide variant.
Coding change: c.918+4A>G on transcript NM_002582.4 (MANE Select); 4 bases into the intron after coding-DNA position 918, A replaced by G.
Molecular consequence: intron variant.
Genome position (GRCh38, 1-based): chr16:14,593,297, T>C on the plus strand (A>G on the coding strand, the complement: PARN is on the minus strand). VCF-style: chr16-14593297-T-C. GRCh37 (hg19) VCF-style: chr16-14687154-T-C.
Other names: c.735+4A>G (NM_001134477.3); c.780+4A>G (NM_001242992.2).
Identifiers: ClinVar variation 2929943 (VCV002929943.3), dbSNP rs2507959331, ClinGen allele CA2631856634.